The following is an entry in ClinVar:

NM_032620.4(GTPBP3):c.63G>A (p.Thr21=)

Gene: GTPBP3 (GTP binding protein 3, mitochondrial; plus strand). Cytogenetic location: 19p13.11.
Variant type: single nucleotide variant.
Coding change: c.63G>A on transcript NM_032620.4 (MANE Select); coding-DNA position 63, G replaced by A.
Protein change: p.Thr21=; no amino-acid change (threonine 21 retained).
Molecular consequence: synonymous variant.
Genome position (GRCh38, 1-based): chr19:17,338,017, G>A. VCF-style: chr19-17338017-G-A. GRCh37 (hg19) VCF-style: chr19-17448826-G-A.
Other names: c.63G>A, p.Thr21= (NM_001128855.3, NM_133644.4); c.129G>A, p.Thr43= (NM_001195422.1).
Identifiers: ClinVar variation 1618574 (VCV001618574.32), dbSNP rs770432503, ClinGen allele CA9293219.

ClinVar aggregate classification (germline): Likely benign. Review status: criteria provided, multiple submitters, no conflicts (2 of 4 stars). 2 submissions from 2 submitters: Likely benign (2). Last evaluated 2023-08-01.

Allele frequency attached by ClinVar (database versions not stated): gnomAD exomes below 0.00001.
gnomAD v4.1: 2 of 1,597,578 alleles (0.00013%); highest among the groups gnomAD compares: African/African-American, 0.0013%; no homozygotes.

Submissions (2):

CeGaT Center for Human Genetics Tuebingen
Classification: Likely benign. Last evaluated: 2023-08-01. Review status: criteria provided, single submitter. Criteria: CeGaT Center For Human Genetics Tuebingen Variant Classification Criteria Version 2. Collection method: clinical testing. Allele origin: germline. Affected: yes. Observed: 1 variant allele.
Comment: GTPBP3: PM2:Supporting, BP4, BP7

Labcorp Genetics (formerly Invitae), Labcorp
Classification: Likely benign. Last evaluated: 2022-07-19. Review status: criteria provided, single submitter. Criteria: Invitae Variant Classification Sherloc (09022015). Collection method: clinical testing. Allele origin: germline.